The following is an entry in ClinVar:

NM_000552.5(VWF):c.1781C>G (p.Ala594Gly)

Gene: VWF (von Willebrand factor; minus strand). Cytogenetic location: 12p13.31.
Variant type: single nucleotide variant.
Coding change: c.1781C>G on transcript NM_000552.5 (MANE Select); coding-DNA position 1781, C replaced by G.
Protein change: p.Ala594Gly; replaces alanine 594 with glycine.
Molecular consequence: missense variant.
Genome position (GRCh38, 1-based): chr12:6,057,021, G>C on the plus strand (C>G on the coding strand, the complement: VWF is on the minus strand). VCF-style: chr12-6057021-G-C. GRCh37 (hg19) VCF-style: chr12-6166187-G-C.
Other names: c.1781C>G (NM_000552.4, NM_000552.3); short protein forms A594G.
Identifiers: ClinVar variation 100190 (VCV000100190.9), dbSNP rs267607308, ClinGen allele CA228287.
Genomic context (GRCh38, chr12:6,057,021, plus strand): 5'-GAGCACACGTCGTAGCGGCAGTTCCGCAGGTAGGGCAGCGGGCTGACGGCACGATGGCAG[G>C]CCTCGAATGTGGGGGACGTCAGGACCGCGCACGCCTCCTCGGAGAACCTGGCTGTGGGGC-3'
Protein context (NP_000543.3, residues 584-604): CAVLTSPTFE[Ala594Gly]CHRAVSPLPY

ClinVar aggregate classification (germline): Uncertain significance. Review status: criteria provided, multiple submitters, no conflicts (2 of 4 stars). 6 submissions from 6 submitters: Uncertain significance (5). 1 of the submissions does not count toward it. Last evaluated 2026-09-18.

Conditions:
VWF-related disorder. Also called: VWF-related disorders; VWF-related condition.
von Willebrand disease type 1 (VWD1). Also called: VON WILLEBRAND DISEASE, TYPE I; VWD, TYPE 1. Identifiers: Orphanet 166078, Orphanet 903, MedGen C1264039, MONDO:0008668, OMIM 193400. Inheritance: autosomal recessive or autosomal dominant.

Allele frequency attached by ClinVar (database versions not stated): gnomAD exomes 0.00007; ExAC 0.00013; gnomAD 0.00016 and 0.00019; TOPMed 0.00022.
gnomAD v4.1: 192 of 1,550,262 alleles (0.012%); highest among the groups gnomAD compares: Middle Eastern, 0.017%; no homozygotes.

Submissions (6):

PreventionGenetics, part of Exact Sciences
Classification: Uncertain significance for VWF-related condition. Last evaluated: 2026-09-18. Review status: criteria provided, single submitter. Criteria: ACMG Guidelines, 2015. Collection method: clinical testing. Allele origin: germline.
Comment: The VWF c.1781C>G variant is predicted to result in the amino acid substitution p.Ala594Gly. This variant has been reported in an individual with low VWF activity (32%) and antigen (38%) (Corrales et al. 2009. PubMed ID: 19277422). This variant has also been reported in multiple individuals who carried additional VWF variants and/or variants in other coagulopathy genes, leaving the potential contribution (if any) of p.Ala594Gly unclear (Hausman-Kedem et al. 2021. PubMed ID: 33527515; Table S2, Gindele et al. 2021. PubMed ID: 33807613; Table S1, Lassandro et al. 2022. PubMed ID: 36507135; Supplemental Material, Ramanan et al. 2025. PubMed ID: 40242192). This variant is reported in 0.024% of alleles in individuals of European (Non-Finnish) descent in gnomAD. At this time, the clinical significance of this variant is uncertain due to the absence of conclusive functional and genetic evidence.

Women's Health and Genetics/Laboratory Corporation of America, LabCorp
Classification: Uncertain significance. Last evaluated: 2026-04-20. Review status: criteria provided, single submitter. Criteria: LabCorp Variant Classification Summary - May 2015. Collection method: clinical testing. Allele origin: germline.
Comment: Variant summary: VWF c.1781C>G (p.Ala594Gly) results in a non-conservative amino acid change located in the VWF/SSPO/Zonadhesin-like, cysteine-rich domain (IPR014853) of the encoded protein sequence. Algorithms developed to predict the effect of missense changes on protein structure and function all suggest that this variant is likely to be disruptive. The variant allele was found at a frequency of 8.5e-05 in 152898 control chromosomes in gnomAD and in control cohorts from two studies (Bellissimo_2012 and Sadler_2021). This frequency is not significantly higher than estimated for disease-causing variants in VWF, allowing no conclusion about variant significance. c.1781C>G has been reported in the literature in at-least one individual affected with subpial hemorrhage and was seen in cis with a pathogenic variant F11 c.403G>T p.Glu135X (Hausman-KedemVWF_2021). These reports do not provide unequivocal conclusions about association of the variant with Von Willebrand Disease. To our knowledge, no experimental evidence demonstrating an impact on protein function has been reported. The following publications have been ascertained in the context of this evaluation (PMID: 22197721, 33527515, 33556167). ClinVar contains an entry for this variant (Variation ID: 100190). Based on the evidence outlined above, the variant was classified as uncertain significance.

GeneDx
Classification: Uncertain significance. Last evaluated: 2025-07-06. Review status: criteria provided, single submitter. Criteria: GeneDx Variant Classification Process June 2021. Collection method: clinical testing. Allele origin: germline. Affected: yes.
Comment: Reported previously in individuals with unspecified coagulation disorder and/or clinical diagnoses of type 1 or type 2B von Willebrand disease; some individuals harbored additional variants in other genes potentially associated with the phenotype (PMID: 19277422, 37647632, 33807613, 36507135, 40242192); Also identified in healthy control individuals in the published literature (PMID: 22197721, 33556167); In silico analysis suggests that this missense variant does not alter protein structure/function; This variant is associated with the following publications: (PMID: 22197721, 19277422, 33527515, 40242192, 37647632, 33556167, 36507135, 33807613)

Quest Diagnostics Nichols Institute San Juan Capistrano
Classification: Uncertain significance. Last evaluated: 2024-03-20. Review status: criteria provided, single submitter. Criteria: Quest Diagnostics criteria. Collection method: clinical testing. Allele origin: unknown.
Comment: The VWF c.1781C>G (p.Ala594Gly) variant has been reported in the published literature in individuals affected with Type 1 von Willebrand disease (vWD) (PMID: 19277422 (2009)), Type 2B vWD (PMID: 33807613 (2021)), as well as in reportedly healthy individuals (PMIDs: 22197721 (2012), 33556167 (2021), 37647632 (2023)). The frequency of this variant in the general population, 0.00024 (18/76526 chromosomes (Genome Aggregation Database)), is uninformative in the assessment of its pathogenicity. Analysis of this variant using bioinformatics tools for the prediction of the effect of amino acid changes on protein structure and function yielded conflicting predictions that this variant is benign or damaging. Based on the available information, we are unable to determine the clinical significance of this variant.

ISTH-SSC Genomics in Thrombosis and Hemostasis, KU Leuven, Center for Molecular and Vascular Biology
Classification: Uncertain significance for von Willebrand disease type 1. Review status: criteria provided, single submitter. Criteria: ACMG Guidelines, 2015. Collection method: clinical testing. Allele origin: germline. Affected: yes. Observed: 1 heterozygote.
Comment: Submitted to the GoldVariant database by Kathleen Freson, Center for Molecular and Vascular Biology

Academic Unit of Haematology, University of Sheffield
No classification provided. Review status: no classification provided. Collection method: not provided. Allele origin: not provided. Not counted in ClinVar's aggregate classification.

Literature cited by the submitters: PubMed 33556167 (cited by Women's Health and Genetics/Laboratory Corporation of America, LabCorp and Quest Diagnostics Nichols Institute San Juan Capistrano); PubMed 22197721 (cited by Women's Health and Genetics/Laboratory Corporation of America, LabCorp and Quest Diagnostics Nichols Institute San Juan Capistrano); PubMed 33527515 (cited by Women's Health and Genetics/Laboratory Corporation of America, LabCorp); PubMed 37647632 (cited by Quest Diagnostics Nichols Institute San Juan Capistrano); PubMed 33807613 (cited by Quest Diagnostics Nichols Institute San Juan Capistrano); PubMed 31968368 (cited by Quest Diagnostics Nichols Institute San Juan Capistrano); PubMed 19277422 (cited by Quest Diagnostics Nichols Institute San Juan Capistrano).